The following is an entry in ClinVar:

NM_001042545.2(LTBP4):c.693C>A (p.Cys231Ter)

Genes: LTBP4 (latent transforming growth factor beta binding protein 4; plus strand), LOC130064475 (ATAC-STARR-seq lymphoblastoid silent region 10639; plus strand). Cytogenetic location: 19q13.2.
Variant type: single nucleotide variant.
Coding change: c.693C>A on transcript NM_001042545.2 (MANE Select); coding-DNA position 693, C replaced by A.
Protein change: p.Cys231Ter; replaces cysteine 231 with a stop codon.
Molecular consequence: nonsense.
Genome position (GRCh38, 1-based): chr19:40,605,731, C>A. VCF-style: chr19-40605731-C-A. GRCh37 (hg19) VCF-style: chr19-41111637-C-A.
Other names: c.894C>A, p.Cys298Ter (NM_001042544.1); c.783C>A, p.Cys261Ter (NM_003573.2); short protein forms C298*, C261*, C231*.
Identifiers: ClinVar variation 3691364 (VCV003691364.2).

ClinVar aggregate classification (germline): Pathogenic (1 of 4 stars; one submission).

Submission:

Labcorp Genetics (formerly Invitae), Labcorp
Classification: Pathogenic. Last evaluated: 2024-09-18. Review status: criteria provided, single submitter. Criteria: Invitae Variant Classification Sherloc (09022015). Collection method: clinical testing. Allele origin: germline.
Comment: This sequence change creates a premature translational stop signal (p.Cys261*) in the LTBP4 gene. It is expected to result in an absent or disrupted protein product. Loss-of-function variants in LTBP4 are known to be pathogenic (PMID: 19836010, 22829427). This variant is not present in population databases (gnomAD no frequency). This variant has not been reported in the literature in individuals affected with LTBP4-related conditions. For these reasons, this variant has been classified as Pathogenic.

Literature cited by the submitters: PubMed 19836010; PubMed 22829427.